The following is an entry in ClinVar:

ClinVar aggregate classification (germline): Uncertain significance (1 of 4 stars; one submission).

Conditions:
Leukocyte adhesion deficiency 3. Also called: INTEGRIN ACTIVATION DEFICIENCY DISEASE; LEUKOCYTE ADHESION DEFICIENCY 1 VARIANT; Leukocyte adhesion deficiency, type III. Identifiers: Orphanet 2968, Orphanet 99844, MedGen C2748536, MONDO:0013016, OMIM 612840.

Submission:

ISTH-SSC Genomics in Thrombosis and Hemostasis, KU Leuven, Center for Molecular and Vascular Biology
Classification: Uncertain significance for Leukocyte adhesion deficiency 3. Review status: criteria provided, single submitter. Criteria: ACMG Guidelines, 2015. Collection method: clinical testing. Allele origin: germline. Affected: yes. Observed: 1 homozygote.
Comment: Submitted to GoldVariant by Jose María Bastida and José Rivera; Grupo Español de Alteraciones Plaquetarias Congénitas (GEAPC)

NM_031471.6(FERMT3):c.593T>C (p.Leu198Pro)

Gene: FERMT3 (FERM domain containing kindlin 3; plus strand). Cytogenetic location: 11q13.1.
Variant type: single nucleotide variant.
Coding change: c.593T>C on transcript NM_031471.6 (MANE Select); coding-DNA position 593, T replaced by C.
Protein change: p.Leu198Pro; replaces leucine 198 with proline.
Molecular consequence: missense variant.
Genome position (GRCh38, 1-based): chr11:64,211,353, T>C. VCF-style: chr11-64211353-T-C. GRCh37 (hg19) VCF-style: chr11-63978825-T-C.
Other names: c.593T>C, p.Leu198Pro (NM_001382361.1, NM_001382362.1, NM_001382448.1 and 1 more transcripts); c.53T>C, p.Leu18Pro (NM_001382363.1, NM_001382364.1); short protein forms L18P, L198P.
Identifiers: ClinVar variation 1703847 (VCV001703847.2), dbSNP rs2134845797, ClinGen allele CA381082446.